The following is an entry in ClinVar:

ClinVar aggregate classification (germline): Likely benign (1 of 4 stars; one submission).

Conditions:
MELAS syndrome (MELAS). Also called: Juvenile myopathy, encephalopathy, lactic acidosis, stroke. Identifiers: Orphanet 550, MedGen C0162671, MONDO:0010789, OMIM 540000.

Submission:

Wong Mito Lab, Molecular and Human Genetics, Baylor College of Medicine
Classification: Likely benign for MELAS syndrome. Last evaluated: 2019-07-12. Review status: criteria provided, single submitter. Criteria: Modified ACMG Guidelines (Unpublished). Collection method: clinical testing. Allele origin: germline.
Comment: The NC_012920.1:m.5800A>G variant in MT-TC gene is interpreted to be a Likely Benign variant based on the modified ACMG guidelines (unpublished). This variant meets the following evidence codes reported in the guidelines: BP4, BP5, BP6

Literature cited by the submitters: PubMed 31965079.

NC_012920.1(MT-TC):m.5800A>G

Gene: MT-TC (mitochondrially encoded tRNA cysteine; minus strand).
Variant type: single nucleotide variant.
Genome position: chrM-5800-A-G.
Identifiers: ClinVar variation 689995 (VCV000689995.1), dbSNP rs1603220125, ClinGen allele CA913180498.